The following is an entry in ClinVar:

NM_001267550.2(TTN):c.8053G>C (p.Asp2685His)

Gene: TTN (titin; minus strand). Cytogenetic location: 2q31.2.
Variant type: single nucleotide variant.
Coding change: c.8053G>C on transcript NM_001267550.2 (MANE Select); coding-DNA position 8053, G replaced by C.
Protein change: p.Asp2685His; replaces aspartic acid 2685 with histidine.
Molecular consequence: missense variant.
Genome position (GRCh38, 1-based): chr2:178,771,274, C>G on the plus strand (G>C on the coding strand, the complement: TTN is on the minus strand). VCF-style: chr2-178771274-C-G. GRCh37 (hg19) VCF-style: chr2-179636001-C-G.
Other names: c.8053G>C, p.Asp2685His (NM_001256850.1, NM_133378.4, NM_133379.5); c.7915G>C, p.Asp2639His (NM_003319.4, NM_133432.3, NM_133437.4); short protein forms D2639H, D2685H.
Identifiers: ClinVar variation 4685592 (VCV004685592.1).

ClinVar aggregate classification (germline): Uncertain significance (1 of 4 stars; one submission).

gnomAD v4.1: 1 of 1,613,950 alleles (0.000062%); highest among the groups gnomAD compares: Non-Finnish European, 0.000085%; no homozygotes.

Submission:

ARUP Laboratories, Molecular Genetics and Genomics, ARUP Laboratories
Classification: Uncertain significance. Last evaluated: 2025-01-29. Review status: criteria provided, single submitter. Criteria: ARUP Molecular Germline Variant Investigation Process 2024. Collection method: clinical testing. Allele origin: germline.
Comment: The TTN c.8053G>C; p.Asp2685His variant is rare in the general population (<0.2% allele frequency in the Genome Aggregation Database) and has not been reported in the medical literature in association with dilated cardiomyopathy (DCM) or other TTN-related disease. The clinical relevance of rare missense variants in this gene, which are identified on average once per individual sequenced in affected populations (Herman 2012), is not well understood. Yet, evidence suggests that the vast majority of such missense variants do not contribute to the clinical outcome of DCM (Begay 2015). Thus, the clinical significance of the p.Asp2685His variant cannot be determined with certainty. References: Begay RL et al. Role of Titin Missense Variants in Dilated Cardiomyopathy. J Am Heart Assoc. 2015 Nov 13;4(11). PMID: 26567375. Herman DS et al. Truncations of titin causing dilated cardiomyopathy. N Engl J Med. 2012 Feb 16;366(7):619-28. PMID: 22335739.